The following is an entry in ClinVar:

ClinVar aggregate classification (germline): Uncertain significance (1 of 4 stars; one submission).

Conditions:
Wilson disease (WND). Also called: Wilson's disease. Identifiers: Orphanet 905, MedGen C0019202, MONDO:0010200, OMIM 277900. Disease mechanism: loss of function.

gnomAD v4.1: 1 of 1,614,050 alleles (0.000062%); highest among the groups gnomAD compares: Non-Finnish European, 0.000085%; no homozygotes.

Submission:

Dr. Moinak Lab, Sanjay Gandhi Postgraduate Institute of Medical Sciences
Classification: Uncertain significance for Wilson disease. Last evaluated: 2024-10-24. Review status: criteria provided, single submitter. Criteria: ACMG Guidelines, 2015. Collection method: clinical testing. Allele origin: germline. Inheritance: Autosomal recessive inheritance. Affected: yes. Observed: 1 heterozygote.
Comment: ATP7B: c.2951C>T is a novel variant involving a single nucleotide change in exon 13 of the genomic DNA, where cytosine (C) is replaced by thymine (T). This results in a non-synonymous substitution of the amino acid proline to leucine at codon 984 (p.Pro984Leu).

Literature cited by the submitters: PubMed 20301685.

NM_000053.4(ATP7B):c.2951C>T (p.Pro984Leu)

Gene: ATP7B (ATPase copper transporting beta; minus strand). Cytogenetic location: 13q14.3.
Variant type: single nucleotide variant.
Coding change: c.2951C>T on transcript NM_000053.4 (MANE Select); coding-DNA position 2951, C replaced by T.
Protein change: p.Pro984Leu; replaces proline 984 with leucine.
Molecular consequence: missense variant. On other transcripts: intron variant (6).
Genome position (GRCh38, 1-based): chr13:51,946,393, G>A on the plus strand (C>T on the coding strand, the complement: ATP7B is on the minus strand). VCF-style: chr13-51946393-G-A. GRCh37 (hg19) VCF-style: chr13-52520529-G-A.
Other names: c.2699C>T, p.Pro900Leu (NM_001406531.1, NM_001406532.1, NM_001330579.2); c.2663C>T, p.Pro888Leu (NM_001406534.1); c.2621C>T, p.Pro874Leu (NM_001406536.1); c.2717C>T, p.Pro906Leu (NM_001406538.1, NM_001330578.2, NM_001406527.1 and 1 more transcripts); c.2522C>T, p.Pro841Leu (NM_001406539.1); c.2465C>T, p.Pro822Leu (NM_001406541.1, NM_001406542.1); c.2603C>T, p.Pro868Leu (NM_001406543.1); c.2369C>T, p.Pro790Leu (NM_001406544.1); and 18 more; short protein forms P554L, P768L, P777L, P790L, P822L, P841L, P868L, P873L.
Identifiers: ClinVar variation 3893680 (VCV003893680.1).